The following is an entry in ClinVar:

NM_001042492.3(NF1):c.337T>A (p.Leu113Met)

Gene: NF1 (neurofibromin 1; plus strand). Cytogenetic location: 17q11.2.
Variant type: single nucleotide variant.
Coding change: c.337T>A on transcript NM_001042492.3 (MANE Select); coding-DNA position 337, T replaced by A.
Protein change: p.Leu113Met; replaces leucine 113 with methionine.
Molecular consequence: missense variant.
Genome position (GRCh38, 1-based): chr17:31,163,234, T>A. VCF-style: chr17-31163234-T-A. GRCh37 (hg19) VCF-style: chr17-29490252-T-A.
Other names: c.337T>A, p.Leu113Met (NM_001128147.3, NM_000267.4); short protein forms L113M.
Identifiers: ClinVar variation 1719229 (VCV001719229.5), dbSNP rs2143671267, ClinGen allele CA398981732.

ClinVar aggregate classification (germline): Uncertain significance (1 of 4 stars; one submission).

Conditions:
Neurofibromatosis, type 1 (NF1). Also called: Peripheral type neurofibromatosis; VON RECKLINGHAUSEN DISEASE; NEUROFIBROMATOSIS, TYPE I, SOMATIC; Neurofibromatosis, type I. Identifiers: Orphanet 636, MedGen C0027831, MONDO:0018975, OMIM 162200. Disease mechanism: loss of function.

Submission:

Labcorp Genetics (formerly Invitae), Labcorp
Classification: Uncertain significance for Neurofibromatosis, type 1. Last evaluated: 2022-09-10. Review status: criteria provided, single submitter. Criteria: Invitae Variant Classification Sherloc (09022015). Collection method: clinical testing. Allele origin: germline.
Comment: Advanced modeling of protein sequence and biophysical properties (such as structural, functional, and spatial information, amino acid conservation, physicochemical variation, residue mobility, and thermodynamic stability) performed at Invitae indicates that this missense variant is expected to disrupt NF1 protein function. In summary, the available evidence is currently insufficient to determine the role of this variant in disease. Therefore, it has been classified as a Variant of Uncertain Significance. This variant has not been reported in the literature in individuals affected with NF1-related conditions. This sequence change replaces leucine, which is neutral and non-polar, with methionine, which is neutral and non-polar, at codon 113 of the NF1 protein (p.Leu113Met). This variant is not present in population databases (gnomAD no frequency).